The following is an entry in ClinVar:

NM_002516.4(NOVA2):c.1414C>T (p.Leu472Phe)

Gene: NOVA2 (NOVA alternative splicing regulator 2; minus strand). Cytogenetic location: 19q13.32.
Variant type: single nucleotide variant.
Coding change: c.1414C>T on transcript NM_002516.4 (MANE Select); coding-DNA position 1414, C replaced by T.
Protein change: p.Leu472Phe; replaces leucine 472 with phenylalanine.
Molecular consequence: missense variant.
Genome position (GRCh38, 1-based): chr19:45,939,928, G>A on the plus strand (C>T on the coding strand, the complement: NOVA2 is on the minus strand). VCF-style: chr19-45939928-G-A. GRCh37 (hg19) VCF-style: chr19-46443186-G-A.
Other names: short protein forms L472F.
Identifiers: ClinVar variation 5000368 (VCV005000368.1).

ClinVar aggregate classification (germline): Uncertain significance (1 of 4 stars; one submission).

Conditions:
NOVA2-related disorder. Also called: NOVA2-related condition.

Submission:

PreventionGenetics, part of Exact Sciences
Classification: Uncertain significance for NOVA2-related condition. Last evaluated: 2025-01-22. Review status: criteria provided, single submitter. Criteria: ACMG Guidelines, 2015. Collection method: clinical testing. Allele origin: germline.
Comment: The NOVA2 c.1414C>T variant is predicted to result in the amino acid substitution p.Leu472Phe. To our knowledge, this variant has not been reported in the literature or in a large population database (gnomAD), indicating this variant is rare. At this time, the clinical significance of this variant is uncertain due to the absence of conclusive functional and genetic evidence.